The following is an entry in ClinVar:

NM_017934.7(PHIP):c.5204dup (p.Lys1736fs)

Genes: IRAK1BP1 (interleukin 1 receptor associated kinase 1 binding protein 1; plus strand), PHIP (pleckstrin homology domain interacting protein; minus strand). Cytogenetic location: 6q14.1.
Variant type: Duplication.
Coding change: c.5204dup on transcript NM_017934.7 (MANE Select); coding-DNA position 5204, one base duplicated (T; older notation c.5204dupT).
Protein change: p.Lys1736fs; shifts the reading frame from lysine 1736.
Molecular consequence: frameshift variant.
Genome position (GRCh38, 1-based): chr6:78,940,955, A duplicated on the plus strand (T on the coding strand, the reverse complement: PHIP is on the minus strand). VCF-style (leftmost placement, unchanged base first): chr6-78940954-G-GA. GRCh37 (hg19) VCF-style: chr6-79650671-G-GA.
Other names: short protein forms K1736fs.
Identifiers: ClinVar variation 3365722 (VCV003365722.1).

ClinVar aggregate classification (germline): Uncertain significance (1 of 4 stars; one submission).

Submission:

GeneDx
Classification: Uncertain significance. Last evaluated: 2023-12-14. Review status: criteria provided, single submitter. Criteria: GeneDx Variant Classification Process June 2021. Collection method: clinical testing. Allele origin: germline. Affected: yes.
Comment: Not observed at significant frequency in large population cohorts (gnomAD); Frameshift variant predicted to result in abnormal protein length as the last 86 amino acids are replaced with 6 different amino acids; Has not been previously published as pathogenic or benign to our knowledge